The following is an entry in ClinVar:

NM_080424.4(SP110):c.934C>G (p.Leu312Val)

Genes: SP110 (SP110 nuclear body protein; minus strand), SP140 (SP140 nuclear body protein; plus strand). Cytogenetic location: 2q37.1.
Variant type: single nucleotide variant.
Coding change: c.934C>G on transcript NM_080424.4 (MANE Select); coding-DNA position 934, C replaced by G.
Protein change: p.Leu312Val; replaces leucine 312 with valine.
Molecular consequence: missense variant. On other transcripts: intron variant (1).
Genome position (GRCh38, 1-based): chr2:230,202,693, G>C on the plus strand (C>G on the coding strand, the complement: SP110 is on the minus strand). VCF-style: chr2-230202693-G-C. GRCh37 (hg19) VCF-style: chr2-231067409-G-C.
Other names: c.952C>G, p.Leu318Val (NM_001185015.2, NM_001378442.1, NM_001378444.1 and 2 more transcripts); c.934C>G, p.Leu312Val (NM_001378443.1, NM_004509.5, NM_004510.4); c.899-1728C>G (NM_001378447.1); short protein forms L312V, L318V.
Identifiers: ClinVar variation 534647 (VCV000534647.6), dbSNP rs1056828943, ClinGen allele CA66756756.

ClinVar aggregate classification (germline): Uncertain significance (1 of 4 stars; one submission).

Conditions:
Hepatic veno-occlusive disease-immunodeficiency syndrome. Also called: Hepatic Veno-Occlusive Disease with Immunodeficiency. Identifiers: Orphanet 79124, MedGen C1856128, MONDO:0009338, OMIM 235550. Disease mechanism: loss of function.

Allele frequency attached by ClinVar (database versions not stated): gnomAD exomes below 0.00001; gnomAD 0.00002.
gnomAD v4.1: 9 of 1,613,968 alleles (0.00056%); highest among the groups gnomAD compares: Admixed American, 0.013%; no homozygotes.

Submission:

Labcorp Genetics (formerly Invitae), Labcorp
Classification: Uncertain significance for Hepatic veno-occlusive disease-immunodeficiency syndrome. Last evaluated: 2023-11-28. Review status: criteria provided, single submitter. Criteria: Invitae Variant Classification Sherloc (09022015). Collection method: clinical testing. Allele origin: germline.
Comment: This sequence change replaces leucine, which is neutral and non-polar, with valine, which is neutral and non-polar, at codon 312 of the SP110 protein (p.Leu312Val). This variant is not present in population databases (gnomAD no frequency). This variant has not been reported in the literature in individuals affected with SP110-related conditions. ClinVar contains an entry for this variant (Variation ID: 534647). An algorithm developed to predict the effect of missense changes on protein structure and function (PolyPhen-2) suggests that this variant¬†is likely to be tolerated. In summary, the available evidence is currently insufficient to determine the role of this variant in disease. Therefore, it has been classified as a Variant of Uncertain Significance.